The following is an entry in ClinVar:

ClinVar aggregate classification (germline): Uncertain significance (1 of 4 stars; one submission).

Conditions:
Hereditary motor and sensory neuropathy, Okinawa type (HMSNO). Also called: HEREDITARY MOTOR AND SENSORY NEUROPATHY, PROXIMAL TYPE. Identifiers: Orphanet 90117, MedGen C1858338, MONDO:0011468, OMIM 604484.
Hereditary spastic paraplegia 57. Also called: Spastic paraplegia 57, autosomal recessive. Identifiers: Orphanet 431329, MedGen C3714897, MONDO:0014295, OMIM 615658.

Allele frequency attached by ClinVar (database versions not stated): gnomAD exomes 0.00002; TOPMed 0.00005; ExAC 0.00007; gnomAD 0.00007.
gnomAD v4.1: 39 of 1,613,514 alleles (0.0024%); highest among the groups gnomAD compares: African/African-American, 0.019%; no homozygotes.

Submission:

Labcorp Genetics (formerly Invitae), Labcorp
Classification: Uncertain significance for Hereditary motor and sensory neuropathy, Okinawa type; Hereditary spastic paraplegia 57. Last evaluated: 2024-03-17. Review status: criteria provided, single submitter. Criteria: Invitae Variant Classification Sherloc (09022015). Collection method: clinical testing. Allele origin: germline.
Comment: This sequence change replaces tyrosine, which is neutral and polar, with cysteine, which is neutral and slightly polar, at codon 276 of the TFG protein (p.Tyr276Cys). This variant is present in population databases (rs769283291, gnomAD 0.03%). This variant has not been reported in the literature in individuals affected with TFG-related conditions. ClinVar contains an entry for this variant (Variation ID: 2045237). Advanced modeling of protein sequence and biophysical properties (such as structural, functional, and spatial information, amino acid conservation, physicochemical variation, residue mobility, and thermodynamic stability) performed at Invitae indicates that this missense variant is not expected to disrupt TFG protein function with a negative predictive value of 80%. In summary, the available evidence is currently insufficient to determine the role of this variant in disease. Therefore, it has been classified as a Variant of Uncertain Significance.

NM_006070.6(TFG):c.827A>G (p.Tyr276Cys)

Gene: TFG (trafficking from ER to golgi regulator; plus strand). Cytogenetic location: 3q12.2.
Variant type: single nucleotide variant.
Coding change: c.827A>G on transcript NM_006070.6 (MANE Select); coding-DNA position 827, A replaced by G.
Protein change: p.Tyr276Cys; replaces tyrosine 276 with cysteine.
Molecular consequence: missense variant.
Genome position (GRCh38, 1-based): chr3:100,748,155, A>G. VCF-style: chr3-100748155-A-G. GRCh37 (hg19) VCF-style: chr3-100466999-A-G.
Other names: c.827A>G, p.Tyr276Cys (NM_001007565.2, NM_001195478.2); c.815A>G, p.Tyr272Cys (NM_001195479.2); short protein forms Y272C, Y276C.
Identifiers: ClinVar variation 2045237 (VCV002045237.4), dbSNP rs769283291, ClinGen allele CA2517214.